The following is an entry in ClinVar:

NM_001035.3(RYR2):c.2561C>T (p.Thr854Ile)

Gene: RYR2 (ryanodine receptor 2; plus strand). Cytogenetic location: 1q43.
Variant type: single nucleotide variant.
Coding change: c.2561C>T on transcript NM_001035.3 (MANE Select); coding-DNA position 2561, C replaced by T.
Protein change: p.Thr854Ile; replaces threonine 854 with isoleucine.
Molecular consequence: missense variant.
Genome position (GRCh38, 1-based): chr1:237,503,453, C>T. VCF-style: chr1-237503453-C-T. GRCh37 (hg19) VCF-style: chr1-237666753-C-T.
Other names: c.2561C>T, p.Thr854Ile (LRG_402t1); short protein forms T854I.
Identifiers: ClinVar variation 404226 (VCV000404226.48), dbSNP rs1060500163, ClinGen allele CA16610030.
Genomic context (GRCh38, chr1:237,503,453, plus strand): 5'-TGGAACACAGCCGAGAGTACAAGCAAGAAAGAACTTACACACGCGACCTGCTGGGCCCCA[C>T]AGTTTCCCTGACGCAAGCTGCCTTCACACCCATCCCTGTGGATACCAGCCAGGTACCAAG-3'
Protein context (NP_001026.2, residues 844-864): RTYTRDLLGP[Thr854Ile]VSLTQAAFTP

ClinVar aggregate classification (germline): Uncertain significance. Review status: criteria provided, multiple submitters, no conflicts (2 of 4 stars). 2 submissions from 2 submitters: Uncertain significance (2). Last evaluated 2026-01-14.

Conditions:
Catecholaminergic polymorphic ventricular tachycardia (CVPT). Also called: Catecholamine-induced polymorphic ventricular tachycardia. Identifiers: Orphanet 3286, MedGen C5574922, MONDO:0017990.
Catecholaminergic polymorphic ventricular tachycardia 1. Also called: VENTRICULAR TACHYCARDIA, CATECHOLAMINERGIC POLYMORPHIC, 1, WITH OR WITHOUT ATRIAL DYSFUNCTION AND/OR DILATED CARDIOMYOPATHY; RYR2-Related Catecholaminergic Polymorphic Ventricular Tachycardia; VENTRICULAR TACHYCARDIA, STRESS-INDUCED POLYMORPHIC 1. Identifiers: Orphanet 3286, MedGen C1631597, MONDO:0011484, OMIM 604772.

Allele frequency attached by ClinVar (database versions not stated): gnomAD exomes below 0.00001.
gnomAD v4.1: 1 of 1,613,986 alleles (0.000062%); highest among the groups gnomAD compares: Non-Finnish European, 0.000085%; no homozygotes.

Submissions (2):

Labcorp Genetics (formerly Invitae), Labcorp
Classification: Uncertain significance for Catecholaminergic polymorphic ventricular tachycardia 1. Last evaluated: 2026-01-14. Review status: criteria provided, single submitter. Criteria: Invitae Variant Classification Sherloc (09022015). Collection method: clinical testing. Allele origin: germline.
Comment: This sequence change replaces threonine, which is neutral and polar, with isoleucine, which is neutral and non-polar, at codon 854 of the RYR2 protein (p.Thr854Ile). This variant is not present in population databases (gnomAD no frequency). This variant has not been reported in the literature in individuals affected with RYR2-related conditions. ClinVar contains an entry for this variant (Variation ID: 404226). Invitae Evidence Modeling of protein sequence and biophysical properties (such as structural, functional, and spatial information, amino acid conservation, physicochemical variation, residue mobility, and thermodynamic stability) indicates that this missense variant is not expected to disrupt RYR2 protein function with a negative predictive value of 95%. In summary, the available evidence is currently insufficient to determine the role of this variant in disease. Therefore, it has been classified as a Variant of Uncertain Significance.

All of Us Research Program, National Institutes of Health
Classification: Uncertain significance for Catecholaminergic polymorphic ventricular tachycardia. Last evaluated: 2023-06-27. Review status: criteria provided, single submitter. Criteria: ACMG Guidelines, 2015. Collection method: clinical testing. Allele origin: germline. Inheritance: Autosomal dominant inheritance. Observed: 1 variant allele, 1 heterozygote.
Comment: This study involves interpretation of variants in research participants for the purpose of population health screening. Participant phenotype was not available at the time of variant classification. Additional details can be found in publication PMID: 35346344, PMCID: PMC8962531